The following is an entry in ClinVar:

ClinVar aggregate classification (germline): Uncertain significance (0 of 4 stars; one submission).

Conditions:
LRP4-related disorder. Also called: LRP4-related condition.

Allele frequency attached by ClinVar (database versions not stated): TOPMed below 0.00001; ExAC 0.00001; gnomAD 0.00001; gnomAD exomes 0.00004.
gnomAD v4.1: 56 of 1,614,058 alleles (0.0035%); highest among the groups gnomAD compares: Non-Finnish European, 0.0047%; no homozygotes.

Submission:

PreventionGenetics, part of Exact Sciences
Classification: Uncertain significance for LRP4-related condition. Last evaluated: 2023-12-15. Review status: no assertion criteria provided. Collection method: clinical testing. Allele origin: germline.
Comment: The LRP4 c.5375A>G variant is predicted to result in the amino acid substitution p.Tyr1792Cys. To our knowledge, this variant has not been reported in the literature. This variant is reported in 0.0018% of alleles in individuals of European (Non-Finnish) descent in gnomAD. At this time, the clinical significance of this variant is uncertain due to the absence of conclusive functional and genetic evidence.

NM_002334.4(LRP4):c.5375A>G (p.Tyr1792Cys)

Genes: LRP4 (LDL receptor related protein 4; minus strand), LRP4-AS1 (LRP4 antisense RNA 1; plus strand). Cytogenetic location: 11p11.2.
Variant type: single nucleotide variant.
Coding change: c.5375A>G on transcript NM_002334.4 (MANE Select); coding-DNA position 5375, A replaced by G.
Protein change: p.Tyr1792Cys; replaces tyrosine 1792 with cysteine.
Molecular consequence: missense variant.
Genome position (GRCh38, 1-based): chr11:46,862,616, T>C on the plus strand (A>G on the coding strand, the complement: LRP4 is on the minus strand). VCF-style: chr11-46862616-T-C. GRCh37 (hg19) VCF-style: chr11-46884167-T-C.
Other names: short protein forms Y1792C.
Identifiers: ClinVar variation 3050034 (VCV003050034.2), dbSNP rs758146599, ClinGen allele CA5969054.
Genomic context (GRCh38, chr11:46,862,616, plus strand): 5'-CTCCCCACACCTCGCCAAAAAGACCCTTGAATATAAATTTCAATTTTTACCTCTTTCTTA[T>C]AGCACAGCTGGTTGTACATGGCTGGTTTGGGGATTGCTTCAATCTTCACTTCCTGTGTGG-3'
Protein context (NP_002325.2, residues 1782-1802): PKPAMYNQLC[Tyr1792Cys]KKEGGPDHNY